The following is an entry in ClinVar:

ClinVar aggregate classification (germline): Conflicting classifications of pathogenicity. Review status: criteria provided, conflicting classifications (1 of 4 stars). 3 submissions from 3 submitters: Likely pathogenic (2); Uncertain significance (1). Last evaluated 2025-07-25.

Conditions:
Arrhythmogenic right ventricular dysplasia 11. Also called: Arrhythmogenic Right Ventricular Dysplasia/Cardiomyopathy11; Arrhythmogenic right ventricular dysplasia 11 with mild palmoplantar keratoderma and woolly hair; ARRHYTHMOGENIC RIGHT VENTRICULAR DYSPLASIA, FAMILIAL, 11. Identifiers: MedGen C1864850, MONDO:0012506, OMIM 610476.
Cardiomyopathy (CMYO). Also called: Cardiomyopathies. Identifiers: Orphanet 167848, MedGen C0878544, MONDO:0004994, HP:0001638. Inheritance: Various modes of inheritance.

Allele frequency attached by ClinVar (database versions not stated): gnomAD exomes below 0.00001; ExAC 0.00001.
gnomAD v4.1: 4 of 1,611,962 alleles (0.00025%); highest among the groups gnomAD compares: Non-Finnish European, 0.00025%; no homozygotes.

Submissions (3):

Color Diagnostics, LLC DBA Color Health
Classification: Uncertain significance for Cardiomyopathy. Last evaluated: 2025-07-25. Review status: criteria provided, single submitter. Criteria: ACMG Guidelines, 2015. Collection method: clinical testing. Allele origin: germline.
Comment: This variant causes a G to C nucleotide substitution at the -1 position of intron 11 splice acceptor site of the DSC2 gene. Splice site prediction tools suggest that this variant may have a significant impact on RNA splicing. To our knowledge, RNA studies have not been reported for this variant. This variant has not been reported in individuals affected with DSC2-related disorders in the literature. This variant has been identified in 1/247366 chromosomes in the general population by the Genome Aggregation Database (gnomAD). Clinical relevance of loss-of-function DSC2 truncation and splice variants in autosomal dominant cardiovascular disorders is not clearly established. The available evidence is insufficient to determine the role of this variant in disease conclusively. Therefore, this variant is classified as a Variant of Uncertain Significance.

GeneDx
Classification: Likely pathogenic. Last evaluated: 2024-05-20. Review status: criteria provided, single submitter. Criteria: GeneDx Variant Classification Process June 2021. Collection method: clinical testing. Allele origin: germline.
Comment: Canonical splice site variant expected to result in aberrant splicing, although in the absence of functional evidence the actual effect of this sequence change is unknown.; Not observed at significant frequency in large population cohorts (gnomAD); Has not been previously published in association with a DSC2-related disorder to our knowledge; This variant is associated with the following publications: (PMID: 33087929, 31638835, 36264615)

Labcorp Genetics (formerly Invitae), Labcorp
Classification: Likely pathogenic for Arrhythmogenic right ventricular dysplasia 11. Last evaluated: 2019-04-19. Review status: criteria provided, single submitter. Criteria: Invitae Variant Classification Sherloc (09022015). Collection method: clinical testing. Allele origin: germline.
Comment: This sequence change affects an acceptor splice site in intron 11 of the DSC2 gene. It is expected to disrupt RNA splicing and likely results in an absent or disrupted protein product. This variant is present in population databases (rs776877367, ExAC 0.002%). This variant has not been reported in the literature in individuals with DSC2-related conditions. Algorithms developed to predict the effect of sequence changes on RNA splicing suggest that this variant may disrupt the consensus splice site, but this prediction has not been confirmed by published transcriptional studies. Donor and acceptor splice site variants typically lead to a loss of protein function (PMID: 16199547), and loss-of-function variants in DSC2 are known to be pathogenic (PMID: 23911551). In summary, the currently available evidence indicates that the variant is pathogenic, but additional data are needed to prove that conclusively. Therefore, this variant has been classified as Likely Pathogenic.

Literature cited by the submitters: PubMed 16199547 (cited by Labcorp Genetics (formerly Invitae), Labcorp); PubMed 23911551 (cited by Labcorp Genetics (formerly Invitae), Labcorp).

NM_024422.6(DSC2):c.1664-1G>C

Gene: DSC2 (desmocollin 2; minus strand). Cytogenetic location: 18q12.1.
Variant type: single nucleotide variant.
Coding change: c.1664-1G>C on transcript NM_024422.6 (MANE Select); the canonical splice acceptor site of the intron before coding-DNA position 1664, G replaced by C.
Molecular consequence: splice acceptor variant.
Genome position (GRCh38, 1-based): chr18:31,074,908, C>G on the plus strand (G>C on the coding strand, the complement: DSC2 is on the minus strand). VCF-style: chr18-31074908-C-G. GRCh37 (hg19) VCF-style: chr18-28654874-C-G.
Other names: c.1664-1G>C (NM_004949.5); c.1235-1G>C (NM_001406506.1, NM_001406507.1).
Identifiers: ClinVar variation 860937 (VCV000860937.12), dbSNP rs776877367, ClinGen allele CA032623.